The following is an entry in ClinVar:

ClinVar aggregate classification (germline): Likely benign (1 of 4 stars; one submission).

gnomAD v4.1: 346 of 1,466,818 alleles (0.024%); highest among the groups gnomAD compares: Middle Eastern, 0.048%; 1 homozygote.

Submission:

CeGaT Center for Human Genetics Tuebingen
Classification: Likely benign. Last evaluated: 2026-07-01. Review status: criteria provided, single submitter. Criteria: CeGaT Center For Human Genetics Tuebingen Variant Classification Criteria Version 2. Collection method: clinical testing. Allele origin: germline. Affected: yes. Observed: 1 variant allele.
Comment: MAST3: BP4, BP7

NM_001393504.1(MAST3):c.3727C>T (p.Leu1243=)

Gene: MAST3 (microtubule associated serine/threonine kinase 3; plus strand). Cytogenetic location: 19p13.11.
Variant type: single nucleotide variant.
Coding change: c.3727C>T on transcript NM_001393504.1 (MANE Select); coding-DNA position 3727, C replaced by T.
Protein change: p.Leu1243=; no amino-acid change (leucine 1243 retained).
Molecular consequence: synonymous variant.
Genome position (GRCh38, 1-based): chr19:18,149,409, C>T. VCF-style: chr19-18149409-C-T. GRCh37 (hg19) VCF-style: chr19-18260219-C-T.
Other names: c.3751C>T, p.Leu1251= (NM_001393501.1); c.3730C>T, p.Leu1244= (NM_001393502.1); c.3727C>T, p.Leu1243= (NM_001393503.1); c.3697C>T, p.Leu1233= (NM_001393505.1); c.3679C>T, p.Leu1227= (NM_001393506.1, NM_001393507.1); c.3661C>T, p.Leu1221= (NM_001393508.1); c.3658C>T, p.Leu1220= (NM_001393509.1, NM_001393510.1); c.3655C>T, p.Leu1219= (NM_001393511.1, NM_001393512.1); and 9 more.
Identifiers: ClinVar variation 5038860 (VCV005038860.1).